The following is an entry in ClinVar:

NM_001614.5(ACTG1):c.1013C>T (p.Ser338Leu)

Gene: ACTG1 (actin gamma 1; minus strand). Cytogenetic location: 17q25.3.
Variant type: single nucleotide variant.
Coding change: c.1013C>T on transcript NM_001614.5 (MANE Select); coding-DNA position 1013, C replaced by T.
Protein change: p.Ser338Leu; replaces serine 338 with leucine.
Molecular consequence: missense variant. On other transcripts: non-coding transcript variant (1).
Genome position (GRCh38, 1-based): chr17:81,510,805, G>A on the plus strand (C>T on the coding strand, the complement: ACTG1 is on the minus strand). VCF-style: chr17-81510805-G-A. GRCh37 (hg19) VCF-style: chr17-79477831-G-A.
Other names: c.1013C>T, p.Ser338Leu (NM_001199954.3); short protein forms S338L.
Identifiers: ClinVar variation 561395 (VCV000561395.8), dbSNP rs1192977984, ClinGen allele CA401458503.

ClinVar aggregate classification (germline): Conflicting classifications of pathogenicity. Review status: criteria provided, conflicting classifications (1 of 4 stars). 4 submissions from 4 submitters: Likely pathogenic (2); Uncertain significance (2). Last evaluated 2026-02-03.

Conditions:
Baraitser-winter syndrome 2. Identifiers: Orphanet 2995, MedGen C3281235, MONDO:0013812, OMIM 614583.
Autosomal dominant nonsyndromic hearing loss 20. Identifiers: Orphanet 90635, MedGen C1858172, MONDO:0011480, OMIM 604717.

Allele frequency attached by ClinVar (database versions not stated): TOPMed below 0.00001.

Submissions (4):

GeneDx
Classification: Likely pathogenic. Last evaluated: 2026-02-03. Review status: criteria provided, single submitter. Criteria: GeneDx Variant Classification Process June 2021. Collection method: clinical testing. Allele origin: germline. Affected: yes.
Comment: Identified in patients with apparently autosomal dominant sensorineural hearing loss referred for genetic testing at GeneDx and in published literature (PMID: 34519870, 38400873, 32238869); Missense variants in this gene are a common cause of disease and they are underrepresented in the general population; In silico analysis supports that this missense variant has a deleterious effect on protein structure/function; Not observed at significant frequency in large population cohorts (gnomAD); This variant is associated with the following publications: (PMID: 34519870, 38400873, 32238869)

Fulgent Genetics
Classification: Likely pathogenic for Autosomal dominant nonsyndromic hearing loss 20; Baraitser-winter syndrome 2. Last evaluated: 2024-05-16. Review status: criteria provided, single submitter. Criteria: ACMG Guidelines, 2015. Collection method: clinical testing. Allele origin: germline.

Blueprint Genetics
Classification: Uncertain significance. Last evaluated: 2023-12-13. Review status: criteria provided, single submitter. Criteria: ACMG Guidelines, 2015. Collection method: clinical testing. Allele origin: germline.

Centre for Mendelian Genomics, University Medical Centre Ljubljana
Classification: Uncertain significance for Autosomal dominant nonsyndromic hearing loss 20. Last evaluated: 2019-08-12. Review status: criteria provided, single submitter. Criteria: ACMG Guidelines, 2015. Collection method: clinical testing. Allele origin: unknown. Affected: yes.
Comment: This variant was classified as: Uncertain significance. The available evidence favors the pathogenic nature of this variant, however the currently available data is insufficient to conclusively support its pathogenic nature. Thus this variant is classified as Uncertain significance - favor pathogenic. The following ACMG criteria were applied in classifying this variant: PM2,PP3.